The following is an entry in ClinVar:

ClinVar aggregate classification (germline): Uncertain significance (1 of 4 stars; one submission).

Conditions:
Familial hypobetalipoproteinemia 1. Also called: Hypobetalipoproteinemia, normotriglyceridemic; Acanthocytosis with hypobetalipoproteinemia; APOB-Related Familial Hypobetalipoproteinemia. Identifiers: MedGen C4551990, MONDO:0014252, OMIM 615558.
Hypercholesterolemia, autosomal dominant, type B (FHCL2). Also called: Familial Hypercholesterolemia Type B; APOLIPOPROTEIN B-100, FAMILIAL DEFECTIVE; APOLIPOPROTEIN B-100, FAMILIAL LIGAND-DEFECTIVE; HYPERCHOLESTEROLEMIA, FAMILIAL, DUE TO LIGAND-DEFECTIVE APOLIPOPROTEIN B; Hyperlipoproteinemia Type IIb; APOB-Related Familial Hypercholesterolemia, Autosomal Dominant. Identifiers: MedGen C1704417, MONDO:0007751, OMIM 144010.

Allele frequency attached by ClinVar (database versions not stated): gnomAD exomes below 0.00001.
gnomAD v4.1: 1 of 1,614,148 alleles (0.000062%); highest among the groups gnomAD compares: East Asian, 0.0022%; no homozygotes.

Submission:

Labcorp Genetics (formerly Invitae), Labcorp
Classification: Uncertain significance for Familial hypobetalipoproteinemia 1; Hypercholesterolemia, autosomal dominant, type B. Last evaluated: 2022-07-31. Review status: criteria provided, single submitter. Criteria: Invitae Variant Classification Sherloc (09022015). Collection method: clinical testing. Allele origin: germline.
Comment: In summary, the available evidence is currently insufficient to determine the role of this variant in disease. Therefore, it has been classified as a Variant of Uncertain Significance. Algorithms developed to predict the effect of missense changes on protein structure and function are either unavailable or do not agree on the potential impact of this missense change (SIFT: "Tolerated"; PolyPhen-2: "Possibly Damaging"; Align-GVGD: "Class C0"). This variant has not been reported in the literature in individuals affected with APOB-related conditions. This variant is not present in population databases (gnomAD no frequency). This sequence change replaces leucine, which is neutral and non-polar, with valine, which is neutral and non-polar, at codon 1597 of the APOB protein (p.Leu1597Val).

NM_000384.3(APOB):c.4789C>G (p.Leu1597Val)

Gene: APOB (apolipoprotein B; minus strand). Cytogenetic location: 2p24.1.
Variant type: single nucleotide variant.
Coding change: c.4789C>G on transcript NM_000384.3 (MANE Select); coding-DNA position 4789, C replaced by G.
Protein change: p.Leu1597Val; replaces leucine 1597 with valine.
Molecular consequence: missense variant.
Genome position (GRCh38, 1-based): chr2:21,012,079, G>C on the plus strand (C>G on the coding strand, the complement: APOB is on the minus strand). VCF-style: chr2-21012079-G-C. GRCh37 (hg19) VCF-style: chr2-21234951-G-C.
Other names: short protein forms L1597V.
Identifiers: ClinVar variation 1997609 (VCV001997609.4), dbSNP rs2465377395, ClinGen allele CA346006117.